The following is an entry in ClinVar:

ClinVar aggregate classification (germline): Uncertain significance. Review status: criteria provided, multiple submitters, no conflicts (2 of 4 stars). 3 submissions from 3 submitters: Uncertain significance (3). Last evaluated 2025-05-28.

Conditions:
Kabuki syndrome. Also called: Kabuki make-up syndrome; NIIKAWA-KUROKI SYNDROME. Identifiers: Orphanet 2322, MedGen C0796004, MONDO:0016512.
Choanal atresia-athelia-hypothyroidism-delayed puberty-short stature syndrome (BCAHH). Also called: BRANCHIAL ARCH ABNORMALITIES, CHOANAL ATRESIA, ATHELIA, HEARING LOSS, AND HYPOTHYROIDISM SYNDROME. Identifiers: Orphanet 589856, MedGen C5680310, MONDO:0035651, OMIM 620186.
Kabuki syndrome 1 (KABUK1). Also called: KMT2D-Related Kabuki Syndrome. Identifiers: Orphanet 2322, MedGen CN030661, MONDO:0007843, OMIM 147920.
Inborn genetic diseases. Identifiers: MedGen C0950123, MeSH D030342.

Allele frequency attached by ClinVar (database versions not stated): gnomAD exomes below 0.00001; gnomAD 0.00001; TOPMed 0.00003.
gnomAD v4.1: 5 of 1,551,592 alleles (0.00032%); highest among the groups gnomAD compares: African/African-American, 0.0041%; no homozygotes.

Submissions (3):

Ambry Genetics
Classification: Uncertain significance for Inborn genetic diseases. Last evaluated: 2025-05-28. Review status: criteria provided, single submitter. Criteria: Ambry Variant Classification Scheme 2023. Collection method: clinical testing. Allele origin: germline.

Labcorp Genetics (formerly Invitae), Labcorp
Classification: Uncertain significance for Kabuki syndrome. Last evaluated: 2025-02-12. Review status: criteria provided, single submitter. Criteria: Invitae Variant Classification Sherloc (09022015). Collection method: clinical testing. Allele origin: germline.
Comment: This sequence change replaces leucine, which is neutral and non-polar, with serine, which is neutral and polar, at codon 2810 of the KMT2D protein (p.Leu2810Ser). This variant is present in population databases (no rsID available, gnomAD 0.004%). This variant has not been reported in the literature in individuals affected with KMT2D-related conditions. ClinVar contains an entry for this variant (Variation ID: 2902119). Invitae Evidence Modeling of protein sequence and biophysical properties (such as structural, functional, and spatial information, amino acid conservation, physicochemical variation, residue mobility, and thermodynamic stability) indicates that this missense variant is not expected to disrupt KMT2D protein function with a negative predictive value of 95%. In summary, the available evidence is currently insufficient to determine the role of this variant in disease. Therefore, it has been classified as a Variant of Uncertain Significance.

Fulgent Genetics
Classification: Uncertain significance for Kabuki syndrome 1; Choanal atresia-athelia-hypothyroidism-delayed puberty-short stature syndrome. Last evaluated: 2024-03-27. Review status: criteria provided, single submitter. Criteria: ACMG Guidelines, 2015. Collection method: clinical testing. Allele origin: germline.

NM_003482.4(KMT2D):c.8429T>C (p.Leu2810Ser)

Gene: KMT2D (lysine methyltransferase 2D; minus strand). Cytogenetic location: 12q13.12.
Variant type: single nucleotide variant.
Coding change: c.8429T>C on transcript NM_003482.4 (MANE Select); coding-DNA position 8429, T replaced by C.
Protein change: p.Leu2810Ser; replaces leucine 2810 with serine.
Molecular consequence: missense variant.
Genome position (GRCh38, 1-based): chr12:49,038,927, A>G on the plus strand (T>C on the coding strand, the complement: KMT2D is on the minus strand). VCF-style: chr12-49038927-A-G. GRCh37 (hg19) VCF-style: chr12-49432710-A-G.
Other names: short protein forms L2810S.
Identifiers: ClinVar variation 2902119 (VCV002902119.5), dbSNP rs1001734160, ClinGen allele CA236645799.